The following is an entry in ClinVar:

ClinVar aggregate classification (germline): Uncertain significance (1 of 4 stars; one submission).

gnomAD v4.1: 20 of 1,612,880 alleles (0.0012%); highest among the groups gnomAD compares: South Asian, 0.0033%; no homozygotes.

Submission:

Labcorp Genetics (formerly Invitae), Labcorp
Classification: Uncertain significance. Last evaluated: 2025-11-19. Review status: criteria provided, single submitter. Criteria: Invitae Variant Classification Sherloc (09022015). Collection method: clinical testing. Allele origin: germline.
Comment: This sequence change affects codon 469 of the CFB mRNA. It is a 'silent' change, meaning that it does not change the encoded amino acid sequence of the CFB protein. It affects a nucleotide within the consensus splice site. This variant is present in population databases (rs201798809, gnomAD 0.003%). This variant has not been reported in the literature in individuals affected with CFB-related conditions. ClinVar contains an entry for this variant (Variation ID: 2980154). Algorithms developed to predict the effect of sequence changes on RNA splicing suggest that this variant is not likely to affect RNA splicing. In summary, the available evidence is currently insufficient to determine the role of this variant in disease. Therefore, it has been classified as a Variant of Uncertain Significance.

NM_001710.6(CFB):c.1407C>T (p.Ile469=)

Gene: CFB (complement factor B; plus strand). Cytogenetic location: 6p21.33.
Variant type: single nucleotide variant.
Coding change: c.1407C>T on transcript NM_001710.6 (MANE Select); coding-DNA position 1407, C replaced by T.
Protein change: p.Ile469=; no amino-acid change (isoleucine 469 retained).
Molecular consequence: synonymous variant.
Genome position (GRCh38, 1-based): chr6:31,949,556, C>T. VCF-style: chr6-31949556-C-T. GRCh37 (hg19) VCF-style: chr6-31917333-C-T.
Identifiers: ClinVar variation 2980154 (VCV002980154.3), dbSNP rs201798809, ClinGen allele CA3728313.